The following is an entry in ClinVar:

ClinVar aggregate classification (germline): Conflicting classifications of pathogenicity. Review status: criteria provided, conflicting classifications (1 of 4 stars). 2 submissions from 2 submitters: Uncertain significance (1); Likely benign (1). Last evaluated 2025-11-25.

Conditions:
Hereditary cancer-predisposing syndrome. Also called: Neoplastic Syndromes, Hereditary; Tumor predisposition; Hereditary Cancer Syndrome; Hereditary neoplastic syndrome. Identifiers: Orphanet 140162, MedGen C0027672, MeSH D009386, MONDO:0015356.
Familial cancer of breast. Also called: BREAST CANCER, FAMILIAL; Hereditary breast cancer; hereditary breast carcinoma. Identifiers: Orphanet 227535, MedGen C0346153, MONDO:0016419, OMIM 114480. Disease mechanism: loss of function.

Submissions (2):

Labcorp Genetics (formerly Invitae), Labcorp
Classification: Uncertain significance for Familial cancer of breast. Last evaluated: 2025-11-25. Review status: criteria provided, single submitter. Criteria: Invitae Variant Classification Sherloc (09022015). Collection method: clinical testing. Allele origin: germline.
Comment: This sequence change replaces isoleucine, which is neutral and non-polar, with leucine, which is neutral and non-polar, at codon 692 of the BARD1 protein (p.Ile692Leu). This variant is not present in population databases (gnomAD no frequency). This variant has not been reported in the literature in individuals affected with BARD1-related conditions. ClinVar contains an entry for this variant (Variation ID: 820659). An algorithm developed to predict the effect of missense changes on protein structure and function outputs the following: PolyPhen-2: "Benign". The leucine amino acid residue is found in multiple mammalian species, which suggests that this missense change does not adversely affect protein function. In summary, the available evidence is currently insufficient to determine the role of this variant in disease. Therefore, it has been classified as a Variant of Uncertain Significance.

Ambry Genetics
Classification: Likely benign for Hereditary cancer-predisposing syndrome. Last evaluated: 2025-09-22. Review status: criteria provided, single submitter. Criteria: Ambry Variant Classification Scheme 2023. Collection method: clinical testing. Allele origin: germline.

NM_000465.4(BARD1):c.2074A>C (p.Ile692Leu)

Gene: BARD1 (BRCA1 associated RING domain 1; minus strand). Cytogenetic location: 2q35.
Variant type: single nucleotide variant.
Coding change: c.2074A>C on transcript NM_000465.4 (MANE Select); coding-DNA position 2074, A replaced by C.
Protein change: p.Ile692Leu; replaces isoleucine 692 with leucine.
Molecular consequence: missense variant. On other transcripts: non-coding transcript variant (3).
Genome position (GRCh38, 1-based): chr2:214,728,936, T>G on the plus strand (A>C on the coding strand, the complement: BARD1 is on the minus strand). VCF-style: chr2-214728936-T-G. GRCh37 (hg19) VCF-style: chr2-215593660-T-G.
Other names: c.2017A>C, p.Ile673Leu (NM_001282543.2); c.721A>C, p.Ile241Leu (NM_001282545.2); c.664A>C, p.Ile222Leu (NM_001282548.2); c.535A>C, p.Ile179Leu (NM_001282549.2); short protein forms I692L, I179L, I222L, I241L, I673L.
Identifiers: ClinVar variation 820659 (VCV000820659.14), dbSNP rs1574703604, ClinGen allele CA350450670.